The following is an entry in ClinVar:

NM_001040108.2(MLH3):c.4039G>A (p.Gly1347Arg)

Gene: MLH3 (mutL homolog 3; minus strand). Cytogenetic location: 14q24.3.
Variant type: single nucleotide variant.
Coding change: c.4039G>A on transcript NM_001040108.2 (MANE Select); coding-DNA position 4039, G replaced by A.
Protein change: p.Gly1347Arg; replaces glycine 1347 with arginine.
Molecular consequence: missense variant.
Genome position (GRCh38, 1-based): chr14:75,022,865, C>T on the plus strand (G>A on the coding strand, the complement: MLH3 is on the minus strand). VCF-style: chr14-75022865-C-T. GRCh37 (hg19) VCF-style: chr14-75489568-C-T.
Other names: c.3967G>A, p.Gly1323Arg (NM_014381.3); short protein forms G1323R, G1347R.
Identifiers: ClinVar variation 4108665 (VCV004108665.1).

ClinVar aggregate classification (germline): Uncertain significance (1 of 4 stars; one submission).

gnomAD v4.1: 1 of 1,614,158 alleles (0.000062%); highest among the groups gnomAD compares: Non-Finnish European, 0.000085%; no homozygotes.

Submission:

Ambry Genetics
Classification: Uncertain significance. Last evaluated: 2025-08-13. Review status: criteria provided, single submitter. Criteria: Ambry Variant Classification Scheme 2023. Collection method: clinical testing. Allele origin: germline.
Comment: The p.G1347R variant (also known as c.4039G>A), located in coding exon 10 of the MLH3 gene, results from a G to A substitution at nucleotide position 4039. The glycine at codon 1347 is replaced by arginine, an amino acid with dissimilar properties. This amino acid position is conserved. In addition, this alteration is predicted to be tolerated by in silico analysis. Based on the available evidence, the clinical significance of this variant remains unclear.